The following is an entry in ClinVar:

ClinVar aggregate classification (germline): Uncertain significance (1 of 4 stars; one submission).

Conditions:
Early-infantile DEE. Also called: Ohtahara syndrome; Early infantile epileptic encephalopathy with suppression bursts; Early infantile epileptic encephalopathy. Identifiers: Orphanet 1934, MedGen C0393706, MONDO:0800491.

Submission:

Labcorp Genetics (formerly Invitae), Labcorp
Classification: Uncertain significance for Early-infantile DEE. Last evaluated: 2023-04-23. Review status: criteria provided, single submitter. Criteria: Invitae Variant Classification Sherloc (09022015). Collection method: clinical testing. Allele origin: germline.
Comment: In summary, the available evidence is currently insufficient to determine the role of this variant in disease. Therefore, it has been classified as a Variant of Uncertain Significance. Experimental studies and prediction algorithms are not available or were not evaluated, and the functional significance of this variant is currently unknown. This variant has not been reported in the literature in individuals affected with SCN8A-related conditions. This variant is not present in population databases (gnomAD no frequency). This variant, c.5330_5344del, results in the deletion of 5 amino acid(s) of the SCN8A protein (p.Ala1777_Ser1781del), but otherwise preserves the integrity of the reading frame.

NM_001330260.2(SCN8A):c.5330_5344del (p.Ala1777_Ser1781del)

Gene: SCN8A (sodium voltage-gated channel alpha subunit 8; plus strand). Cytogenetic location: 12q13.13.
Variant type: Deletion.
Coding change: c.5330_5344del on transcript NM_001330260.2 (MANE Select); coding-DNA positions 5330 to 5344, 15 bases deleted (CAGACCCTCTGAGTG).
Protein change: p.Ala1777_Ser1781del.
Molecular consequence: inframe deletion.
Genome position (GRCh38, 1-based): chr12:51,806,816-51,806,830, CAGACCCTCTGAGTG deleted; deleting any 15 consecutive bases within chr12:51,806,812-51,806,830 gives the same sequence; the c. name uses the placement nearest the transcript's 3' end. VCF-style (leftmost placement, unchanged base first): chr12-51806811-AAGTGCAGACCCTCTG-A. GRCh37 (hg19) VCF-style: chr12-52200595-AAGTGCAGACCCTCTG-A.
Other names: c.5207_5221del, p.Ala1736_Ser1740del (NM_001177984.3, NM_001369788.1); c.5330_5344del, p.Ala1777_Ser1781del (NM_014191.4).
Identifiers: ClinVar variation 2851237 (VCV002851237.3), dbSNP rs2540334775, ClinGen allele CA2739272037.
Genomic context (GRCh38, chr12:51,806,811, plus strand): 5'-AATTGTCGTGAACATGTACATTGCCATCATCCTGGAGAACTTCAGTGTAGCCACAGAGGA[AAGTGCAGACCCTCTG>A]AGTGAGGATGACTTTGAGACCTTCTATGAGATCTGGGAGAAGTTCGACCCCGATGCCACC-3'